The following is an entry in ClinVar:

ClinVar aggregate classification (germline): Pathogenic (1 of 4 stars; one submission).

Conditions:
Mucopolysaccharidosis, MPS-II (MPS2). Also called: Hunter Syndrome; IDURONATE 2-SULFATASE DEFICIENCY; Mucopolysaccharidosis Type II; Mucopolysaccharidosis type 2; Attenuated MPS (subtype; formerly known as mild MPS II); Severe MPS II. Identifiers: Orphanet 580, Orphanet 79388, MedGen C0026705, MONDO:0010674, OMIM 309900.

Submission:

Laboratory of Diagnosis and Therapy of Lysosomal Disorders, University of Padova
Classification: Pathogenic for Mucopolysaccharidosis, MPS-II. Last evaluated: 2024-06-07. Review status: criteria provided, single submitter. Criteria: ACMG Guidelines, 2015. Collection method: literature only. Allele origin: germline. Affected: yes. Observed: 3 variant alleles.
Comment: Null variant (PVS1_VeryStrong), Absent from controls (or at low frequency) in gnomAD database (PM2_Moderate), Patient’s phenotype or family history highly specific for the disease (PP4_Strong)

Classification method: ACMG Guidelines [PMID:25741868] with modifications

Literature cited by the submitters: PubMed 24780617; PubMed 33676511.

NM_000202.8(IDS):c.598C>T (p.Gln200Ter)

Genes: IDS (iduronate 2-sulfatase; minus strand), LOC106050102 (IDS recombination region; plus strand). Cytogenetic location: Xq28.
Variant type: single nucleotide variant.
Coding change: c.598C>T on transcript NM_000202.8 (MANE Select); coding-DNA position 598, C replaced by T.
Protein change: p.Gln200Ter; replaces glutamine 200 with a stop codon.
Molecular consequence: nonsense. On other transcripts: non-coding transcript variant (1).
Genome position (GRCh38, 1-based): chrX:149,498,217, G>A on the plus strand (C>T on the coding strand, the complement: IDS is on the minus strand). VCF-style: chrX-149498217-G-A. GRCh37 (hg19) VCF-style: chrX-148579748-G-A.
Other names: c.328C>T, p.Gln110Ter (NM_001166550.4); c.598C>T, p.Gln200Ter (NM_006123.5); short protein forms Q110*, Q200*.
Identifiers: ClinVar variation 3255779 (VCV003255779.2).